The following is an entry in ClinVar:

ClinVar aggregate classification (germline): Uncertain significance (1 of 4 stars; one submission).

Conditions:
PCNT-related disorder. Also called: PCNT-related condition.

Submission:

PreventionGenetics, part of Exact Sciences
Classification: Uncertain significance for PCNT-related condition. Last evaluated: 2024-11-02. Review status: criteria provided, single submitter. Criteria: ACMG Guidelines, 2015. Collection method: clinical testing. Allele origin: germline.
Comment: The PCNT c.2780T>C variant is predicted to result in the amino acid substitution p.Leu927Ser. To our knowledge, this variant has not been reported in the literature or in a large population database (gnomAD), indicating this variant is rare. At this time, the clinical significance of this variant is uncertain due to the absence of conclusive functional and genetic evidence.

NM_006031.6(PCNT):c.2780T>C (p.Leu927Ser)

Gene: PCNT (pericentrin; plus strand). Cytogenetic location: 21q22.3.
Variant type: single nucleotide variant.
Coding change: c.2780T>C on transcript NM_006031.6 (MANE Select); coding-DNA position 2780, T replaced by C.
Protein change: p.Leu927Ser; replaces leucine 927 with serine.
Molecular consequence: missense variant.
Genome position (GRCh38, 1-based): chr21:46,366,754, T>C. VCF-style: chr21-46366754-T-C. GRCh37 (hg19) VCF-style: chr21-47786669-T-C.
Other names: c.2426T>C, p.Leu809Ser (NM_001315529.2); short protein forms L927S, L809S.
Identifiers: ClinVar variation 4997237 (VCV004997237.1).